The following is an entry in ClinVar:

NM_014314.4(RIGI):c.1940T>C (p.Ile647Thr)

Gene: RIGI (RNA sensor RIG-I; minus strand). Cytogenetic location: 9p21.1.
Variant type: single nucleotide variant.
Coding change: c.1940T>C on transcript NM_014314.4 (MANE Select); coding-DNA position 1940, T replaced by C.
Protein change: p.Ile647Thr; replaces isoleucine 647 with threonine.
Molecular consequence: missense variant.
Genome position (GRCh38, 1-based): chr9:32,473,049, A>G on the plus strand (T>C on the coding strand, the complement: RIGI is on the minus strand). VCF-style: chr9-32473049-A-G. GRCh37 (hg19) VCF-style: chr9-32473047-A-G.
Other names: c.1934T>C, p.Ile645Thr (NM_001385907.1); c.1940T>C, p.Ile647Thr (NM_001385909.1); c.1499T>C, p.Ile500Thr (NM_001385910.1); c.1331T>C, p.Ile444Thr (NM_001385912.1); c.1925T>C, p.Ile642Thr (NM_001385913.1); c.1496T>C, p.Ile499Thr (NM_001385914.1); short protein forms I499T, I500T, I642T, I444T, I645T, I647T.
Identifiers: ClinVar variation 1501959 (VCV001501959.8), dbSNP rs781135089, ClinGen allele CA5019622.

ClinVar aggregate classification (germline): Uncertain significance (1 of 4 stars; one submission).

Allele frequency attached by ClinVar (database versions not stated): ExAC 0.00001; gnomAD 0.00001; gnomAD exomes 0.00001; TOPMed 0.00002.
gnomAD v4.1: 15 of 1,608,088 alleles (0.00093%); highest among the groups gnomAD compares: Admixed American, 0.0034%; no homozygotes.

Submission:

Labcorp Genetics (formerly Invitae), Labcorp
Classification: Uncertain significance. Last evaluated: 2024-07-15. Review status: criteria provided, single submitter. Criteria: Invitae Variant Classification Sherloc (09022015). Collection method: clinical testing. Allele origin: germline.
Comment: This sequence change replaces isoleucine, which is neutral and non-polar, with threonine, which is neutral and polar, at codon 647 of the DDX58 protein (p.Ile647Thr). This variant is present in population databases (rs781135089, gnomAD 0.003%). This variant has not been reported in the literature in individuals affected with DDX58-related conditions. ClinVar contains an entry for this variant (Variation ID: 1501959). Advanced modeling of protein sequence and biophysical properties (such as structural, functional, and spatial information, amino acid conservation, physicochemical variation, residue mobility, and thermodynamic stability) performed at Invitae indicates that this missense variant is expected to disrupt DDX58 protein function with a positive predictive value of 80%. In summary, the available evidence is currently insufficient to determine the role of this variant in disease. Therefore, it has been classified as a Variant of Uncertain Significance.